The following is an entry in ClinVar:

ClinVar aggregate classification (germline): Pathogenic (1 of 4 stars; one submission).

Submission:

Labcorp Genetics (formerly Invitae), Labcorp
Classification: Pathogenic. Last evaluated: 2023-01-16. Review status: criteria provided, single submitter. Criteria: Invitae Variant Classification Sherloc (09022015). Collection method: clinical testing. Allele origin: germline.
Comment: For these reasons, this variant has been classified as Pathogenic. This variant has not been reported in the literature in individuals affected with PCLO-related conditions. This variant is not present in population databases (gnomAD no frequency). This sequence change creates a premature translational stop signal (p.Glu811Lysfs*6) in the PCLO gene. It is expected to result in an absent or disrupted protein product. Loss-of-function variants in PCLO are known to be pathogenic (PMID: 25832664, 30287594).

Literature cited by the submitters: PubMed 25832664; PubMed 30287594.

NM_033026.6(PCLO):c.2427_2428del (p.Glu811fs)

Gene: PCLO (piccolo presynaptic cytomatrix protein; minus strand). Cytogenetic location: 7q21.11.
Variant type: Deletion.
Coding change: c.2427_2428del on transcript NM_033026.6 (MANE Select); coding-DNA positions 2427 to 2428, 2 bases deleted (AG; older notation c.2427_2428delAG).
Protein change: p.Glu811fs; shifts the reading frame from glutamic acid 811.
Molecular consequence: frameshift variant.
Genome position (GRCh38, 1-based): chr7:83,135,122-83,135,123, CT deleted on the plus strand (AG on the coding strand, the reverse complement: PCLO is on the minus strand). VCF-style (leftmost placement, unchanged base first): chr7-83135121-CCT-C. GRCh37 (hg19) VCF-style: chr7-82764437-CCT-C.
Other names: c.2427_2428del, p.Glu811fs (NM_014510.3); short protein forms E811fs.
Identifiers: ClinVar variation 2829195 (VCV002829195.3), dbSNP rs2484837559, ClinGen allele CA2739266498.